The following is an entry in ClinVar:

NM_004415.4(DSP):c.7964C>G (p.Ala2655Gly)

Gene: DSP (desmoplakin; plus strand). Cytogenetic location: 6p24.3.
Variant type: single nucleotide variant.
Coding change: c.7964C>G on transcript NM_004415.4 (MANE Select); coding-DNA position 7964, C replaced by G.
Protein change: p.Ala2655Gly; replaces alanine 2655 with glycine.
Molecular consequence: missense variant.
Genome position (GRCh38, 1-based): chr6:7,585,226, C>G. VCF-style: chr6-7585226-C-G. GRCh37 (hg19) VCF-style: chr6-7585459-C-G.
Other names: c.7964C>G (LRG_423t1); c.6167C>G, p.Ala2056Gly (NM_001008844.3); c.6635C>G, p.Ala2212Gly (NM_001319034.2); short protein forms A2655G, A2212G, A2056G.
Identifiers: ClinVar variation 36024 (VCV000036024.23), dbSNP rs193922671, ClinGen allele CA007330.

ClinVar aggregate classification (germline): Conflicting classifications of pathogenicity. Review status: criteria provided, conflicting classifications (1 of 4 stars). 8 submissions from 8 submitters: Likely pathogenic (1); Uncertain significance (4); Likely benign (3). Last evaluated 2025-12-31.

Conditions:
Cardiovascular phenotype. Identifiers: MedGen CN230736.
Arrhythmogenic right ventricular dysplasia 8 (ARVD8). Also called: Arrhythmogenic Right Ventricular Dysplasia/Cardiomyopathy 8; ARRHYTHMOGENIC RIGHT VENTRICULAR DYSPLASIA, FAMILIAL, 8; ARRHYTHMOGENIC RIGHT VENTRICULAR CARDIOMYOPATHY 8. Identifiers: MedGen C1843896, MONDO:0011831, OMIM 607450.
Arrhythmogenic cardiomyopathy with wooly hair and keratoderma. Also called: Carvajal syndrome; Dilated cardiomyopathy with woolly hair and keratoderma; Arrhythmogenic cardiomyopathy with woolly hair and keratoderma; PALMOPLANTAR KERATODERMA WITH LEFT VENTRICULAR CARDIOMYOPATHY AND WOOLLY HAIR. Identifiers: Orphanet 65282, MedGen C1854063, MONDO:0011581, OMIM 605676.
Cardiomyopathy (CMYO). Also called: Cardiomyopathies. Identifiers: Orphanet 167848, MedGen C0878544, MONDO:0004994, HP:0001638. Inheritance: Various modes of inheritance.

Allele frequency attached by ClinVar (database versions not stated): gnomAD exomes 0.00001 and 0.00005; ExAC 0.00004; gnomAD 0.00005; TOPMed 0.00007.

Submissions (8):

Labcorp Genetics (formerly Invitae), Labcorp
Classification: Likely benign for Arrhythmogenic cardiomyopathy with wooly hair and keratoderma; Arrhythmogenic right ventricular dysplasia 8. Last evaluated: 2025-12-31. Review status: criteria provided, single submitter. Criteria: Invitae Variant Classification Sherloc (09022015). Collection method: clinical testing. Allele origin: germline.

All of Us Research Program, National Institutes of Health
Classification: Likely benign for Arrhythmogenic cardiomyopathy with wooly hair and keratoderma. Last evaluated: 2024-06-09. Review status: criteria provided, single submitter. Criteria: ACMG Guidelines, 2015. Collection method: clinical testing. Allele origin: germline. Inheritance: Autosomal dominant inheritance. Observed: 1 variant allele, 1 heterozygote.
Comment: This study involves interpretation of variants in research participants for the purpose of population health screening. Participant phenotype was not available at the time of variant classification. Additional details can be found in publication PMID: 35346344, PMCID: PMC8962531

Color Diagnostics, LLC DBA Color Health
Classification: Likely benign for Cardiomyopathy. Last evaluated: 2024-06-06. Review status: criteria provided, single submitter. Criteria: ACMG Guidelines, 2015. Collection method: clinical testing. Allele origin: germline.

Ambry Genetics
Classification: Uncertain significance for Cardiovascular phenotype. Last evaluated: 2020-09-30. Review status: criteria provided, single submitter. Criteria: Ambry Variant Classification Scheme 2023. Collection method: clinical testing. Allele origin: germline.

GeneDx
Classification: Uncertain significance. Last evaluated: 2019-07-02. Review status: criteria provided, single submitter. Criteria: GeneDx Variant Classification Process June 2021. Collection method: clinical testing. Allele origin: germline. Affected: yes.
Comment: Has not been previously published as pathogenic or benign to our knowledge; Reported in ClinVar (ClinVar Variant ID# 36024; Landrum et al., 2016); In silico analysis, which includes protein predictors and evolutionary conservation, supports a deleterious effect

Baylor Genetics
Classification: Uncertain significance for Arrhythmogenic right ventricular dysplasia 8. Last evaluated: 2019-06-14. Review status: criteria provided, single submitter. Criteria: ACMG Guidelines, 2015. Collection method: clinical testing. Allele origin: unknown. Affected: yes.
Comment: This variant was determined to be of uncertain significance according to ACMG Guidelines, 2015 [PMID:25741868].

CHEO Genetics Diagnostic Laboratory, Children's Hospital of Eastern Ontario
Classification: Uncertain significance for Cardiomyopathy. Last evaluated: 2017-11-16. Review status: criteria provided, single submitter. Criteria: ACMG Guidelines, 2015. Collection method: clinical testing. Allele origin: germline.

Women's Health and Genetics/Laboratory Corporation of America, LabCorp
Classification: Likely pathogenic for Cardiomyopathy. Last evaluated: 2011-08-18. Review status: criteria provided, single submitter. Criteria: LabCorp Variant Classification Summary - May 2015. Collection method: curation. Allele origin: germline. Inheritance: autosomal unknown. Affected: yes.
ClinVar note: Converted during submission from likely pathogenic to Likely pathogenic.